The following is an entry in ClinVar:

ClinVar aggregate classification (germline): Uncertain significance (1 of 4 stars; one submission).

Conditions:
TTN-related disorder. Also called: TTN-related disorders; TTN-related condition; TTN-related disease.

gnomAD v4.1: 22 of 1,608,638 alleles (0.0014%); highest among the groups gnomAD compares: East Asian, 0.049%; no homozygotes.

Submission:

PreventionGenetics, part of Exact Sciences
Classification: Uncertain significance for TTN-related condition. Last evaluated: 2026-05-15. Review status: criteria provided, single submitter. Criteria: ACMG Guidelines, 2015. Collection method: clinical testing. Allele origin: germline.
Comment: The TTN c.57085G>C variant is predicted to result in the amino acid substitution p.Glu19029Gln. To our knowledge, this variant has not been reported in the literature or in a large population database (gnomAD), indicating this variant is rare. At this time, the clinical significance of this variant is uncertain due to the absence of conclusive functional and genetic evidence.

NM_001267550.2(TTN):c.57085G>C (p.Glu19029Gln)

Genes: TTN (titin; minus strand), TTN-AS1 (TTN antisense RNA 1; plus strand). Cytogenetic location: 2q31.2.
Variant type: single nucleotide variant.
Coding change: c.57085G>C on transcript NM_001267550.2 (MANE Select); coding-DNA position 57085, G replaced by C.
Protein change: p.Glu19029Gln; replaces glutamic acid 19029 with glutamine.
Molecular consequence: missense variant.
Genome position (GRCh38, 1-based): chr2:178,598,532, C>G on the plus strand (G>C on the coding strand, the complement: TTN is on the minus strand). VCF-style: chr2-178598532-C-G. GRCh37 (hg19) VCF-style: chr2-179463259-C-G.
Other names: c.52162G>C, p.Glu17388Gln (NM_001256850.1); c.29890G>C, p.Glu9964Gln (NM_003319.4); c.49381G>C, p.Glu16461Gln (NM_133378.4); c.30265G>C, p.Glu10089Gln (NM_133432.3); c.30466G>C, p.Glu10156Gln (NM_133437.4); short protein forms E19029Q, E10089Q, E10156Q, E16461Q, E9964Q, E17388Q.
Identifiers: ClinVar variation 4990062 (VCV004990062.1).